The following is an entry in ClinVar:

ClinVar aggregate classification (germline): Uncertain significance. Review status: criteria provided, multiple submitters, no conflicts (2 of 4 stars). 3 submissions from 3 submitters: Uncertain significance (3). Last evaluated 2024-10-28.

Allele frequency attached by ClinVar (database versions not stated): gnomAD 0.00003; gnomAD exomes 0.00004.
gnomAD v4.1: 51 of 1,506,706 alleles (0.0034%); highest among the groups gnomAD compares: Middle Eastern, 0.32%; 1 homozygote.

Submissions (3):

Labcorp Genetics (formerly Invitae), Labcorp
Classification: Uncertain significance. Last evaluated: 2024-10-28. Review status: criteria provided, single submitter. Criteria: Invitae Variant Classification Sherloc (09022015). Collection method: clinical testing. Allele origin: germline.
Comment: This sequence change replaces serine, which is neutral and polar, with alanine, which is neutral and non-polar, at codon 43 of the DGKZ protein (p.Ser43Ala). This variant is present in population databases (rs751327548, gnomAD 0.009%). This variant has not been reported in the literature in individuals affected with DGKZ-related conditions. ClinVar contains an entry for this variant (Variation ID: 2191467). An algorithm developed to predict the effect of missense changes on protein structure and function (PolyPhen-2) suggests that this variant is likely to be disruptive. In summary, the available evidence is currently insufficient to determine the role of this variant in disease. Therefore, it has been classified as a Variant of Uncertain Significance.

Blueprint Genetics
Classification: Uncertain significance. Last evaluated: 2024-08-19. Review status: criteria provided, single submitter. Criteria: ACMG Guidelines, 2015. Collection method: clinical testing. Allele origin: germline.

Ambry Genetics
Classification: Uncertain significance. Last evaluated: 2024-03-31. Review status: criteria provided, single submitter. Criteria: Ambry Variant Classification Scheme 2023. Collection method: clinical testing. Allele origin: germline.

NM_001199267.2(DGKZ):c.162-908T>G

Gene: DGKZ (diacylglycerol kinase zeta; plus strand). Cytogenetic location: 11p11.2.
Variant type: single nucleotide variant.
Coding change: c.162-908T>G on transcript NM_001199267.2 (MANE Select); 908 bases into the intron before coding-DNA position 162, T replaced by G.
Molecular consequence: intron variant. On other transcripts: missense variant (1).
Genome position (GRCh38, 1-based): chr11:46,366,383, T>G. VCF-style: chr11-46366383-T-G. GRCh37 (hg19) VCF-style: chr11-46387933-T-G.
Other names: c.127T>G (NM_001105540.1); c.127T>G, p.Ser43Ala (NM_001105540.2); c.213-908T>G (NM_201532.3); c.177-908T>G (NM_201533.3); c.162-908T>G (NM_001199266.2, NM_003646.4, NM_001199268.2); short protein forms S43A.
Identifiers: ClinVar variation 2191467 (VCV002191467.6), dbSNP rs751327548, ClinGen allele CA5962083.
Genomic context (GRCh38, chr11:46,366,383, plus strand): 5'-CCCAGCAGCGTGGGGCTGCCCACAGGCAAGGCCCGGCGTCGCTCCCCCGCTGGGCAGGCC[T>G]CCTCCTCACTGGCACAGCGGCGCCGCTCCAGCGCCCAGCTCCAGGGCTGCCTCCTGAGTT-3'